The following is an entry in ClinVar:

NM_014780.5(CUL7):c.4120GAG[2] (p.Glu1376del)

Gene: CUL7 (cullin 7; minus strand). Cytogenetic location: 6p21.1.
Variant type: Microsatellite.
Coding change: c.4120GAG[2] on transcript NM_014780.5 (MANE Select); two copies in a row of the 3-base unit GAG starting at c.4120; the reference has three copies in a row; one copy, 3 bases deleted.
Protein change: p.Glu1376del; deletes glutamic acid 1376.
Molecular consequence: inframe deletion.
Genome position (GRCh38, 1-based): chr6:43,040,322-43,040,324, CTC deleted on the plus strand (GAG on the coding strand, the reverse complement: CUL7 is on the minus strand); deleting any 3 consecutive bases within chr6:43,040,322-43,040,330 gives the same sequence; the position shown is the placement nearest the transcript's 3' end. VCF-style (leftmost placement, unchanged base first): chr6-43040321-TCTC-T. GRCh37 (hg19) VCF-style: chr6-43008059-TCTC-T.
Other names: c.4216GAG[2], p.Glu1408del (NM_001168370.2, NM_001374872.1); c.4120GAG[2], p.Glu1376del (NM_001374873.1); c.4117GAG[2], p.Glu1375del (NM_001374874.1); c.4378_4380del (NM_001168370.1); short protein forms E1376del, E1375del, E1408del.
Identifiers: ClinVar variation 587529 (VCV000587529.9), dbSNP rs774299493, ClinGen allele CA3813289.

ClinVar aggregate classification (germline): Uncertain significance. Review status: criteria provided, multiple submitters, no conflicts (2 of 4 stars). 2 submissions from 2 submitters: Uncertain significance (2). Last evaluated 2021-08-30.

Conditions:
3M syndrome 1. Also called: 3-M Syndrome, CUL7-Related. Identifiers: Orphanet 2616, MedGen C2678312, MONDO:0010117, OMIM 273750.

Submissions (2):

Labcorp Genetics (formerly Invitae), Labcorp
Classification: Uncertain significance. Last evaluated: 2021-08-30. Review status: criteria provided, single submitter. Criteria: Invitae Variant Classification Sherloc (09022015). Collection method: clinical testing. Allele origin: germline.
Comment: This variant, c.4126_4128del, results in the deletion of 1 amino acid(s) of the CUL7 protein (p.Glu1376del), but otherwise preserves the integrity of the reading frame. This variant is present in population databases (rs774299493, ExAC 0.07%). This variant has not been reported in the literature in individuals affected with CUL7-related conditions. Experimental studies and prediction algorithms are not available or were not evaluated, and the functional significance of this variant is currently unknown. In summary, the available evidence is currently insufficient to determine the role of this variant in disease. Therefore, it has been classified as a Variant of Uncertain Significance.

Genomic Research Center, Shahid Beheshti University of Medical Sciences
Classification: Uncertain significance for Three M syndrome 1. Last evaluated: 2018-08-07. Review status: criteria provided, single submitter. Criteria: ACMG Guidelines, 2015. Collection method: clinical testing. Allele origin: inherited. Affected: yes. Observed: 1 variant allele.